The following is an entry in ClinVar:

NM_000048.4(ASL):c.613G>A (p.Ala205Thr)

Gene: ASL (argininosuccinate lyase; plus strand). Cytogenetic location: 7q11.21.
Variant type: single nucleotide variant.
Coding change: c.613G>A on transcript NM_000048.4 (MANE Select); coding-DNA position 613, G replaced by A.
Protein change: p.Ala205Thr; replaces alanine 205 with threonine.
Molecular consequence: missense variant.
Genome position (GRCh38, 1-based): chr7:66,087,344, G>A. VCF-style: chr7-66087344-G-A. GRCh37 (hg19) VCF-style: chr7-65552331-G-A.
Other names: c.613G>A, p.Ala205Thr (NM_001024943.2, NM_001024944.2); c.535G>A, p.Ala179Thr (NM_001024946.2); short protein forms A205T, A179T.
Identifiers: ClinVar variation 1414696 (VCV001414696.3), dbSNP rs771531271, ClinGen allele CA4277054.

ClinVar aggregate classification (germline): Uncertain significance (1 of 4 stars; one submission).

Conditions:
Argininosuccinate lyase deficiency. Also called: ARGININOSUCCINIC ACID LYASE DEFICIENCY; ASL DEFICIENCY; Argininosuccinic aciduria. Identifiers: Orphanet 23, MedGen C0268547, MONDO:0008815, OMIM 207900, HP:0025630.

Allele frequency attached by ClinVar (database versions not stated): TOPMed below 0.00001; gnomAD 0.00001; gnomAD exomes 0.00001; ExAC 0.00003.

Submission:

Labcorp Genetics (formerly Invitae), Labcorp
Classification: Uncertain significance for Argininosuccinate lyase deficiency. Last evaluated: 2022-07-06. Review status: criteria provided, single submitter. Criteria: Invitae Variant Classification Sherloc (09022015). Collection method: clinical testing. Allele origin: germline.
Comment: This sequence change replaces alanine, which is neutral and non-polar, with threonine, which is neutral and polar, at codon 205 of the ASL protein (p.Ala205Thr). This variant is present in population databases (rs771531271, gnomAD 0.003%). This variant has not been reported in the literature in individuals affected with ASL-related conditions. ClinVar contains an entry for this variant (Variation ID: 1414696). Advanced modeling of protein sequence and biophysical properties (such as structural, functional, and spatial information, amino acid conservation, physicochemical variation, residue mobility, and thermodynamic stability) performed at Invitae indicates that this missense variant is expected to disrupt ASL protein function. In summary, the available evidence is currently insufficient to determine the role of this variant in disease. Therefore, it has been classified as a Variant of Uncertain Significance.